The following is an entry in ClinVar:

NC_000008.10:g.(?_38095036)_(38095747_?)del

Gene: DDHD2 (DDHD domain containing 2; plus strand). Cytogenetic location: 8p11.23.
Variant type: Deletion.
Identifiers: ClinVar variation 1076234 (VCV001076234.6).

ClinVar aggregate classification (germline): Pathogenic (1 of 4 stars; one submission).

Conditions:
Hereditary spastic paraplegia 54. Also called: Spastic paraplegia 54, autosomal recessive. Identifiers: Orphanet 320380, MedGen C3539495, MONDO:0014018, OMIM 615033.

Submission:

Labcorp Genetics (formerly Invitae), Labcorp
Classification: Pathogenic for Hereditary spastic paraplegia 54. Last evaluated: 2022-01-06. Review status: criteria provided, single submitter. Criteria: Invitae Variant Classification Sherloc (09022015). Collection method: clinical testing. Allele origin: germline.
Comment: For these reasons, this variant has been classified as Pathogenic. This variant has not been reported in the literature in individuals affected with DDHD2-related conditions. This variant is a gross deletion of the genomic region encompassing exon(s) 4-5 of the DDHD2 gene. This deletion is out-of-frame, and is expected to create a premature termination codon and result in an absent or disrupted protein product. Loss-of-function variants in DDHD2 are known to be pathogenic (PMID: 23176823, 23486545).

Literature cited by the submitters: PubMed 23176823; PubMed 23486545.